The following is an entry in ClinVar:

NM_004336.5(BUB1):c.1528T>G (p.Ser510Ala)

Gene: BUB1 (BUB1 mitotic checkpoint serine/threonine kinase; minus strand). Cytogenetic location: 2q13.
Variant type: single nucleotide variant.
Coding change: c.1528T>G on transcript NM_004336.5 (MANE Select); coding-DNA position 1528, T replaced by G.
Protein change: p.Ser510Ala; replaces serine 510 with alanine.
Molecular consequence: missense variant.
Genome position (GRCh38, 1-based): chr2:110,657,634, A>C on the plus strand (T>G on the coding strand, the complement: BUB1 is on the minus strand). VCF-style: chr2-110657634-A-C. GRCh37 (hg19) VCF-style: chr2-111415211-A-C.
Other names: c.1468T>G, p.Ser490Ala (NM_001278616.2); c.1528T>G, p.Ser510Ala (NM_001278617.2); short protein forms S490A, S510A.
Identifiers: ClinVar variation 3224005 (VCV003224005.1), dbSNP rs2468007765, ClinGen allele CA348212130.

ClinVar aggregate classification (germline): Uncertain significance (1 of 4 stars; one submission).

Allele frequency attached by ClinVar (database versions not stated): gnomAD exomes below 0.00001.
gnomAD v4.1: 1 of 1,577,292 alleles (0.000063%); highest among the groups gnomAD compares: Non-Finnish European, 0.000086%; no homozygotes.

Submission:

Ambry Genetics
Classification: Uncertain significance. Last evaluated: 2023-12-24. Review status: criteria provided, single submitter. Criteria: Ambry Variant Classification Scheme 2023. Collection method: clinical testing. Allele origin: germline.
Comment: The p.S510A variant (also known as c.1528T>G), located in coding exon 14 of the BUB1 gene, results from a T to G substitution at nucleotide position 1528. The serine at codon 510 is replaced by alanine, an amino acid with similar properties. This amino acid position is conserved. In addition, this alteration is predicted to be tolerated by in silico analysis. Since supporting evidence is limited at this time, the clinical significance of this alteration remains unclear.